The following is an entry in ClinVar:

NM_014363.6(SACS):c.4033C>T (p.Gln1345Ter)

Gene: SACS (sacsin molecular chaperone; minus strand). Cytogenetic location: 13q12.12.
Variant type: single nucleotide variant.
Coding change: c.4033C>T on transcript NM_014363.6 (MANE Select); coding-DNA position 4033, C replaced by T.
Protein change: p.Gln1345Ter; replaces glutamine 1345 with a stop codon.
Molecular consequence: nonsense.
Genome position (GRCh38, 1-based): chr13:23,339,843, G>A on the plus strand (C>T on the coding strand, the complement: SACS is on the minus strand). VCF-style: chr13-23339843-G-A. GRCh37 (hg19) VCF-style: chr13-23913982-G-A.
Other names: c.3592C>T, p.Gln1198Ter (NM_001278055.2); c.4060C>T, p.Gln1354Ter (NM_001437336.1); short protein forms Q1354*, Q1198*, Q1345*.
Identifiers: ClinVar variation 5004934 (VCV005004934.1).
Genomic context (GRCh38, chr13:23,339,843, plus strand): 5'-ATCTGATAATATTCAACATAAGATGAAGATTTTGTTTGCTTTCTTGTTCACTGAGATCTT[G>A]GTCACTTTTGAGATATATCTTCTGAATAACCATGGAAATATGATCTGATGTCAACTCCTC-3'

ClinVar aggregate classification (germline): Pathogenic (1 of 4 stars; one submission).

Conditions:
Charlevoix-Saguenay spastic ataxia (SACS). Also called: AUTOSOMAL RECESSIVE SPASTIC ATAXIA OF CHARLEVOIX-SAGUENAY; Spastic ataxia of Charlevoix-Saguenay; SPASTIC ATAXIA 6, AUTOSOMAL RECESSIVE. Identifiers: Orphanet 98, MedGen C1849140, MONDO:0010041, OMIM 270550.

gnomAD v4.1: 1 of 1,613,116 alleles (0.000062%); highest among the groups gnomAD compares: Non-Finnish European, 0.000085%; no homozygotes.

Submission:

Myriad Genetics, Inc.
Classification: Pathogenic for Charlevoix-Saguenay spastic ataxia. Last evaluated: 2025-07-24. Review status: criteria provided, single submitter. Criteria: Myriad Autosomal Dominant, Autosomal Recessive and X-Linked Classification Criteria (2023). Collection method: clinical testing. Allele origin: unknown.
Comment: NM_014363.4(SACS):c.4033C>T(Q1345*) is a nonsense variant classified as pathogenic in the context of autosomal recessive spastic ataxia of Charlevoix-Saguenay. Q1345* has been observed in a case with relevant disease (PMID: 16421146). Relevant functional assessments of this variant are not available in the literature. Q1345* has been observed in referenced population frequency databases. In summary, NM_014363.4(SACS):c.4033C>T(Q1345*) is a nonsense variant in a gene where loss of function is a known mechanism of disease, is predicted to disrupt protein function, and has been observed more frequently in cases with the relevant disease than in healthy populations. Please note: this variant was assessed in the context of healthy population screening.

Literature cited by the submitters: PubMed 16421146.